The following is an entry in ClinVar:

NM_178012.5(TUBB2B):c.1070C>T (p.Pro357Leu)

Gene: TUBB2B (tubulin beta 2B class IIb; minus strand). Cytogenetic location: 6p25.2.
Variant type: single nucleotide variant.
Coding change: c.1070C>T on transcript NM_178012.5 (MANE Select); coding-DNA position 1070, C replaced by T.
Protein change: p.Pro357Leu; replaces proline 357 with leucine.
Molecular consequence: missense variant.
Genome position (GRCh38, 1-based): chr6:3,225,019, G>A on the plus strand (C>T on the coding strand, the complement: TUBB2B is on the minus strand). VCF-style: chr6-3225019-G-A. GRCh37 (hg19) VCF-style: chr6-3225253-G-A.
Other names: short protein forms P357L.
Identifiers: ClinVar variation 692087 (VCV000692087.3), dbSNP rs1581525728, ClinGen allele CA362585514.

ClinVar aggregate classification (germline): Pathogenic/Likely pathogenic. Review status: criteria provided, multiple submitters, no conflicts (2 of 4 stars). 3 submissions from 3 submitters: Pathogenic (1); Likely pathogenic (2). Last evaluated 2025-10-15.

Conditions:
Complex cortical dysplasia with other brain malformations 7. Identifiers: Orphanet 300573, MedGen C3552236, MONDO:0012399, OMIM 610031.
Inborn genetic diseases. Identifiers: MedGen C0950123, MeSH D030342.

Submissions (3):

Ambry Genetics
Classification: Pathogenic for Inborn genetic diseases. Last evaluated: 2025-10-15. Review status: criteria provided, single submitter. Criteria: Ambry Variant Classification Scheme 2023. Collection method: clinical testing. Allele origin: germline.
Comment: The c.1070C>T (p.P357L) alteration is located in exon 4 (coding exon 4) of the TUBB2B gene. This alteration results from a C to T substitution at nucleotide position 1070, causing the proline (P) at amino acid position 357 to be replaced by a leucine (L). This variant was not reported in population-based cohorts in the Genome Aggregation Database (gnomAD). This variant was reported in individual(s) with features consistent with TUBB2B-related complex cortical dysplasia; in at least one individual, it was determined to be de novo (external communication). This amino acid position is highly conserved in available vertebrate species. This missense alteration is located in a region that has a low rate of benign missense variation (Lek, 2016; Firth, 2009). This alteration is predicted to be deleterious by in silico analysis. Based on the available evidence, this alteration is classified as pathogenic.

Baylor Genetics
Classification: Likely pathogenic for Complex cortical dysplasia with other brain malformations 7. Last evaluated: 2019-04-09. Review status: criteria provided, single submitter. Criteria: ACMG Guidelines, 2015. Collection method: clinical testing. Allele origin: de novo. Affected: yes.
Comment: This variant was determined to be likely pathogenic according to ACMG Guidelines, 2015 [PMID:25741868].

Rady Children's Institute for Genomic Medicine, Rady Children's Hospital San Diego
Classification: Likely pathogenic for CORTICAL DYSPLASIA, COMPLEX, WITH OTHER BRAIN MALFORMATIONS 7. Last evaluated: 2019-03-27. Review status: criteria provided, single submitter. Criteria: ACMG Guidelines, 2015. Collection method: clinical testing. Allele origin: germline. Affected: yes. Observed: 1 variant allele.
Comment: This variant is absent from the ExAC and gnomAD population databases and thus is presumed to be rare. In silico tools used to predict the effect of this variant on protein function yield discordant results. Analysis of the parental samples was negative for the variant, indicating this variant likely occurred as a de novo event. Based on the available evidence, the c.1070C>T (p.Pro357Leu) variant is classified as likely pathogenic.